The following is an entry in ClinVar:

ClinVar aggregate classification (germline): Uncertain significance. Review status: criteria provided, multiple submitters, no conflicts (2 of 4 stars). 3 submissions from 3 submitters: Uncertain significance (3). Last evaluated 2022-04-28.

Conditions:
Inborn genetic diseases. Identifiers: MedGen C0950123, MeSH D030342.

Allele frequency attached by ClinVar (database versions not stated): ExAC 0.00012; gnomAD 0.00021 and 0.00022; TOPMed 0.00028; 1000 Genomes Project 30x 0.00031; 1000 Genomes Project 0.00040; ESP Exome Variant Server 0.00046.
gnomAD v4.1: 66 of 1,614,168 alleles (0.0041%); highest among the groups gnomAD compares: African/African-American, 0.079%; no homozygotes.

Submissions (3):

Labcorp Genetics (formerly Invitae), Labcorp
Classification: Uncertain significance. Last evaluated: 2022-04-28. Review status: criteria provided, single submitter. Criteria: Invitae Variant Classification Sherloc (09022015). Collection method: clinical testing. Allele origin: germline.
Comment: This sequence change replaces aspartic acid, which is acidic and polar, with glycine, which is neutral and non-polar, at codon 48 of the COQ9 protein (p.Asp48Gly). This variant is present in population databases (rs146467088, gnomAD 0.08%). This variant has not been reported in the literature in individuals affected with COQ9-related conditions. ClinVar contains an entry for this variant (Variation ID: 1300747). Algorithms developed to predict the effect of missense changes on protein structure and function (SIFT, PolyPhen-2, Align-GVGD) all suggest that this variant is likely to be tolerated. Algorithms developed to predict the effect of sequence changes on RNA splicing suggest that this variant may create or strengthen a splice site. In summary, the available evidence is currently insufficient to determine the role of this variant in disease. Therefore, it has been classified as a Variant of Uncertain Significance.

GeneDx
Classification: Uncertain significance. Last evaluated: 2021-10-13. Review status: criteria provided, single submitter. Criteria: GeneDx Variant Classification Process June 2021. Collection method: clinical testing. Allele origin: germline. Affected: yes.
Comment: In silico analysis supports that this missense variant has a deleterious effect on protein structure/function; Has not been previously published as pathogenic or benign to our knowledge; In silico analysis, which includes splice predictors and evolutionary conservation, suggests this variant may impact gene splicing. In the absence of RNA/functional studies, the actual effect of this sequence change is unknown.

Ambry Genetics
Classification: Uncertain significance for Inborn genetic diseases. Last evaluated: 2021-01-11. Review status: criteria provided, single submitter. Criteria: Ambry Variant Classification Scheme 2023. Collection method: clinical testing. Allele origin: germline.
Comment: The c.143A>G (p.D48G) alteration is located in exon 2 (coding exon 2) of the COQ9 gene. This alteration results from a A to G substitution at nucleotide position 143, causing the aspartic acid (D) at amino acid position 48 to be replaced by a glycine (G). The p.D48G alteration is predicted to be tolerated by in silico analysis. Based on insufficient or conflicting evidence, the clinical significance of this alteration remains unclear.

NM_020312.4(COQ9):c.143A>G (p.Asp48Gly)

Gene: COQ9 (coenzyme Q9; plus strand). Cytogenetic location: 16q21.
Variant type: single nucleotide variant.
Coding change: c.143A>G on transcript NM_020312.4 (MANE Select); coding-DNA position 143, A replaced by G.
Protein change: p.Asp48Gly; replaces aspartic acid 48 with glycine.
Molecular consequence: missense variant.
Genome position (GRCh38, 1-based): chr16:57,451,109, A>G. VCF-style: chr16-57451109-A-G. GRCh37 (hg19) VCF-style: chr16-57485021-A-G.
Other names: c.143A>G (NM_020312.3); short protein forms D48G.
Identifiers: ClinVar variation 1300747 (VCV001300747.7), dbSNP rs146467088, ClinGen allele CA8076100.